The following is an entry in ClinVar:

NM_177438.3(DICER1):c.4285T>C (p.Trp1429Arg)

Gene: DICER1 (dicer 1, ribonuclease III; minus strand). Cytogenetic location: 14q32.13.
Variant type: single nucleotide variant.
Coding change: c.4285T>C on transcript NM_177438.3 (MANE Select); coding-DNA position 4285, T replaced by C.
Protein change: p.Trp1429Arg; replaces tryptophan 1429 with arginine.
Molecular consequence: missense variant. On other transcripts: non-coding transcript variant (6).
Genome position (GRCh38, 1-based): chr14:95,096,635, A>G on the plus strand (T>C on the coding strand, the complement: DICER1 is on the minus strand). VCF-style: chr14-95096635-A-G. GRCh37 (hg19) VCF-style: chr14-95562972-A-G.
Other names: c.4285T>C, p.Trp1429Arg (NM_001195573.1, NM_001271282.3, NM_001291628.2 and 12 more transcripts); c.4003T>C, p.Trp1335Arg (NM_001395686.1); c.3880T>C, p.Trp1294Arg (NM_001395687.1, NM_001395688.1, NM_001395689.1 and 2 more transcripts); c.3718T>C, p.Trp1240Arg (NM_001395691.1); c.2602T>C, p.Trp868Arg (NM_001395697.1); short protein forms W1240R, W1294R, W1335R, W1429R, W868R.
Identifiers: ClinVar variation 3369507 (VCV003369507.2).

ClinVar aggregate classification (germline): Uncertain significance. Review status: criteria provided, multiple submitters, no conflicts (2 of 4 stars). 2 submissions from 2 submitters: Uncertain significance (2). Last evaluated 2025-04-13.

Conditions:
Hereditary cancer-predisposing syndrome. Also called: Tumor predisposition; Neoplastic Syndromes, Hereditary; Hereditary neoplastic syndrome; Hereditary Cancer Syndrome. Identifiers: Orphanet 140162, MedGen C0027672, MeSH D009386, MONDO:0015356.

Submissions (2):

Ambry Genetics
Classification: Uncertain significance for Hereditary cancer-predisposing syndrome. Last evaluated: 2025-04-13. Review status: criteria provided, single submitter. Criteria: Ambry Variant Classification Scheme 2023. Collection method: clinical testing. Allele origin: germline.
Comment: The p.W1429R variant (also known as c.4285T>C), located in coding exon 22 of the DICER1 gene, results from a T to C substitution at nucleotide position 4285. The tryptophan at codon 1429 is replaced by arginine, an amino acid with dissimilar properties. This amino acid position is conserved. In addition, this alteration is predicted to be deleterious by in silico analysis. Based on the available evidence, the clinical significance of this variant remains unclear.

GeneDx
Classification: Uncertain significance. Last evaluated: 2024-02-21. Review status: criteria provided, single submitter. Criteria: GeneDx Variant Classification Process June 2021. Collection method: clinical testing. Allele origin: germline. Affected: yes.
Comment: Not observed at significant frequency in large population cohorts (gnomAD); In silico analysis supports that this missense variant does not alter protein structure/function; Has not been previously published as pathogenic or benign to our knowledge